The following is an entry in ClinVar:

NM_015474.4(SAMHD1):c.2T>A (p.Met1Lys)

Gene: SAMHD1 (SAM and HD domain containing deoxynucleoside triphosphate triphosphohydrolase 1; minus strand). Cytogenetic location: 20q11.23.
Variant type: single nucleotide variant.
Coding change: c.2T>A on transcript NM_015474.4 (MANE Select); coding-DNA position 2, T replaced by A.
Protein change: p.Met1Lys; changes the start codon (methionine 1).
Molecular consequence: missense variant, initiator codon variant.
Genome position (GRCh38, 1-based): chr20:36,951,642, A>T on the plus strand (T>A on the coding strand, the complement: SAMHD1 is on the minus strand). VCF-style: chr20-36951642-A-T. GRCh37 (hg19) VCF-style: chr20-35580045-A-T.
Other names: c.2T>A, p.Met1Lys (NM_001363729.2, NM_001363733.2); short protein forms M1K.
Identifiers: ClinVar variation 653330 (VCV000653330.10), dbSNP rs923362391, ClinGen allele CA314276965.

ClinVar aggregate classification (germline): Conflicting classifications of pathogenicity. Review status: criteria provided, conflicting classifications (1 of 4 stars). 5 submissions from 5 submitters: Likely pathogenic (3); Uncertain significance (2). Last evaluated 2025-06-25.

Conditions:
Inborn genetic diseases. Identifiers: MedGen C0950123, MeSH D030342.
Aicardi Goutieres syndrome (AGS). Also called: Encephalopathy, familial infantile, with calcification of basal ganglia and chronic cerebrospinal fluid lymphocytosis. Identifiers: Orphanet 51, MedGen C0393591, MONDO:0018866.
Aicardi-Goutieres syndrome 5. Identifiers: Orphanet 51, MedGen C2749659, MONDO:0013059, OMIM 612952.
Chilblain lupus 2 (CHBL2). Identifiers: MedGen C3280721, MONDO:0013739, OMIM 614415.

Allele frequency attached by ClinVar (database versions not stated): TOPMed 0.00001.

Submissions (5):

Natera, Inc.
Classification: Likely pathogenic for Aicardi-Goutieres syndrome. Last evaluated: 2025-06-25. Review status: criteria provided, single submitter. Criteria: Natera Variant Classification Schema (03/2026). Collection method: clinical testing. Allele origin: germline.
Comment: The c.2T>A variant in SAMHD1 is predicted to result in start loss due to disruption of the initiator methionine. This variant is expected to result in nonsense mediated decay, truncation, or a dysfunctional protein product. This variant is rare in the general population with a frequency below the threshold expected for the associated phenotype(s). Given the available evidence, this variant is classified as Likely Pathogenic.

Ambry Genetics
Classification: Likely pathogenic for Inborn genetic diseases. Last evaluated: 2025-04-11. Review status: criteria provided, single submitter. Criteria: Ambry Variant Classification Scheme 2023. Collection method: clinical testing. Allele origin: germline.
Comment: The c.2T>A (p.M1?) alteration is located in coding exon 1 of the SAMHD1 gene and results from a T to A substitution at nucleotide position 2. This alters the methionine residue at the initiation codon (ATG). Sequence variations that modify the initiation codon are expected to result in either loss of translation initiation, N-terminal truncation, or cause a shift in the mRNA reading frame. This variant was not reported in population-based cohorts in the Genome Aggregation Database (gnomAD). This amino acid position is highly conserved in available vertebrate species. Based on the available evidence, this alteration is classified as likely pathogenic.

Fulgent Genetics
Classification: Likely pathogenic for Aicardi-Goutieres syndrome 5; Chilblain lupus 2. Last evaluated: 2024-05-09. Review status: criteria provided, single submitter. Criteria: ACMG Guidelines, 2015. Collection method: clinical testing. Allele origin: germline.

Women's Health and Genetics/Laboratory Corporation of America, LabCorp
Classification: Uncertain significance. Last evaluated: 2024-05-07. Review status: criteria provided, single submitter. Criteria: LabCorp Variant Classification Summary - May 2015. Collection method: clinical testing. Allele origin: germline.
Comment: Variant summary: SAMHD1 c.2T>A (p.Met1Lys) alters the initiation codon and is predicted to result either in absence of the protein or truncation of the encoded protein due to translation initiation at a downstream codon. The next downstream in-frame ATG start site is at codon 115 (exon 3). One of two in-silico tools predict a benign effect of the variant on protein function. The variant was absent in 249654 control chromosomes. The available data on variant occurrences in the general population are insufficient to allow any conclusion about variant significance. To our knowledge, no occurrence of c.2T>A in individuals affected with Aicardi Goutieres Syndrome and no experimental evidence demonstrating its impact on protein function have been reported. ClinVar contains an entry for this variant (Variation ID: 653330). Based on the evidence outlined above, the variant was classified as uncertain significance.

Labcorp Genetics (formerly Invitae), Labcorp
Classification: Uncertain significance for Aicardi-Goutieres syndrome 5. Last evaluated: 2022-02-27. Review status: criteria provided, single submitter. Criteria: Invitae Variant Classification Sherloc (09022015). Collection method: clinical testing. Allele origin: germline.
Comment: This sequence change affects the initiator methionine of the SAMHD1 mRNA. The next in-frame methionine is located at codon 115. This variant is not present in population databases (gnomAD no frequency). This variant has not been reported in the literature in individuals affected with SAMHD1-related conditions. ClinVar contains an entry for this variant (Variation ID: 653330). In summary, the available evidence is currently insufficient to determine the role of this variant in disease. Therefore, it has been classified as a Variant of Uncertain Significance.

Literature cited by the submitters: PubMed 35590234 (cited by Women's Health and Genetics/Laboratory Corporation of America, LabCorp).